The following is an entry in ClinVar:

NM_001365276.2(TNXB):c.9608G>A (p.Arg3203Lys)

Gene: TNXB (tenascin XB; minus strand). Cytogenetic location: 6p21.33.
Variant type: single nucleotide variant.
Coding change: c.9608G>A on transcript NM_001365276.2 (MANE Select); coding-DNA position 9608, G replaced by A.
Protein change: p.Arg3203Lys; replaces arginine 3203 with lysine.
Molecular consequence: missense variant.
Genome position (GRCh38, 1-based): chr6:32,049,419, C>T on the plus strand (G>A on the coding strand, the complement: TNXB is on the minus strand). VCF-style: chr6-32049419-C-T. GRCh37 (hg19) VCF-style: chr6-32017196-C-T.
Other names: c.9602G>A, p.Arg3201Lys (NM_019105.8); short protein forms R3201K, R3203K.
Identifiers: ClinVar variation 1767539 (VCV001767539.2), dbSNP rs2483423961, ClinGen allele CA363538744.
Genomic context (GRCh38, chr6:32,049,419, plus strand): 5'-CCCCCCACGGTGACCTCGCTCTCCTCGCCCCTGACACGCACCACCTGGGGCTGCCCGTCC[C>T]TGTCCTTGTACTGCACGGTGAAGGAGTCGAAGCGGCCCTGGGGGACGGTCCAGGAGAGGC-3'
Protein context (NP_001352205.1, residues 3193-3213): FDSFTVQYKD[Arg3203Lys]DGQPQVVRVR

ClinVar aggregate classification (germline): Uncertain significance (1 of 4 stars; one submission).

Conditions:
Cardiovascular phenotype. Identifiers: MedGen CN230736.

Allele frequency attached by ClinVar (database versions not stated): gnomAD exomes below 0.00001.
gnomAD v4.1: 1 of 1,612,714 alleles (0.000062%); highest among the groups gnomAD compares: Non-Finnish European, 0.000085%; no homozygotes.

Submission:

Ambry Genetics
Classification: Uncertain significance for Cardiovascular phenotype. Last evaluated: 2021-08-08. Review status: criteria provided, single submitter. Criteria: Ambry Variant Classification Scheme 2023. Collection method: clinical testing. Allele origin: germline.
Comment: The p.R3201K variant (also known as c.9602G>A), located in coding exon 27 of the TNXB gene, results from a G to A substitution at nucleotide position 9602. The arginine at codon 3201 is replaced by lysine, an amino acid with highly similar properties. This amino acid position is conserved. In addition, this alteration is predicted to be tolerated by in silico analysis. Since supporting evidence is limited at this time, the clinical significance of this alteration remains unclear.